The following is an entry in ClinVar:

NM_005228.5(EGFR):c.2668A>G (p.Ile890Val)

Gene: EGFR (epidermal growth factor receptor; plus strand). Cytogenetic location: 7p11.2.
Variant type: single nucleotide variant.
Coding change: c.2668A>G on transcript NM_005228.5 (MANE Select); coding-DNA position 2668, A replaced by G.
Protein change: p.Ile890Val; replaces isoleucine 890 with valine.
Molecular consequence: missense variant.
Genome position (GRCh38, 1-based): chr7:55,192,808, A>G. VCF-style: chr7-55192808-A-G. GRCh37 (hg19) VCF-style: chr7-55260501-A-G.
Other names: c.2533A>G, p.Ile845Val (NM_001346897.2, NM_001346899.2); c.2668A>G, p.Ile890Val (NM_001346898.2); c.2509A>G, p.Ile837Val (NM_001346900.2); c.1867A>G, p.Ile623Val (NM_001346941.2); short protein forms I845V, I837V, I623V, I890V.
Identifiers: ClinVar variation 4247273 (VCV004247273.1).

ClinVar aggregate classification (germline): Uncertain significance (1 of 4 stars; one submission).

Conditions:
Hereditary cancer-predisposing syndrome. Also called: Hereditary Cancer Syndrome; Hereditary neoplastic syndrome; Neoplastic Syndromes, Hereditary; Tumor predisposition. Identifiers: Orphanet 140162, MedGen C0027672, MeSH D009386, MONDO:0015356.

Submission:

Ambry Genetics
Classification: Uncertain significance for Hereditary cancer-predisposing syndrome. Last evaluated: 2025-06-20. Review status: criteria provided, single submitter. Criteria: Ambry Variant Classification Scheme 2023. Collection method: clinical testing. Allele origin: germline.
Comment: The p.I890V variant (also known as c.2668A>G), located in coding exon 22 of the EGFR gene, results from an A to G substitution at nucleotide position 2668. The isoleucine at codon 890 is replaced by valine, an amino acid with highly similar properties. This amino acid position is conserved. In addition, the in silico prediction for this alteration is inconclusive. Based on the available evidence, the clinical significance of this variant remains unclear.